The following is an entry in ClinVar:

ClinVar aggregate classification (germline): Pathogenic/Likely pathogenic. Review status: criteria provided, multiple submitters, no conflicts (2 of 4 stars). 2 submissions from 2 submitters: Pathogenic (1); Likely pathogenic (1). Last evaluated 2025-02-28.

Conditions:
Pendred syndrome (PDS). Also called: Pendred's syndrome; Pendred Syndrome (PDS); DEAFNESS WITH GOITER; GOITER-DEAFNESS SYNDROME; HYPOTHYROIDISM, CONGENITAL, DUE TO DYSHORMONOGENESIS, 2B; THYROID DYSHORMONOGENESIS 2B. Identifiers: Orphanet 705, MedGen C0271829, MONDO:0010134, OMIM 274600.

Submissions (2):

Natera, Inc.
Classification: Likely pathogenic for Pendred syndrome. Last evaluated: 2025-02-28. Review status: criteria provided, single submitter. Criteria: Natera Variant Classification Schema (03/2026). Collection method: clinical testing. Allele origin: germline.
Comment: The c.1707+1G>A variant in SLC26A4 is a canonical splice donor site variant predicted to affect pre-mRNA splicing, which may result in an abnormal transcript and altered protein product. This variant is expected to result in nonsense mediated decay, truncation, or a dysfunctional protein product. This variant is rare in the general population with a frequency below the threshold expected for the associated phenotype(s). Given the available evidence, this variant is classified as Likely Pathogenic.

Labcorp Genetics (formerly Invitae), Labcorp
Classification: Pathogenic. Last evaluated: 2024-01-10. Review status: criteria provided, single submitter. Criteria: Invitae Variant Classification Sherloc (09022015). Collection method: clinical testing. Allele origin: germline.
Comment: This sequence change affects a donor splice site in intron 15 of the SLC26A4 gene. It is expected to disrupt RNA splicing. Variants that disrupt the donor or acceptor splice site typically lead to a loss of protein function (PMID: 16199547), and loss-of-function variants in SLC26A4 are known to be pathogenic (PMID: 16283880, 25394566, 26252218, 26445815). This variant is not present in population databases (gnomAD no frequency). Disruption of this splice site has been observed in individual(s) with deafness (PMID: 22796198). In at least one individual the data is consistent with being in trans (on the opposite chromosome) from a pathogenic variant. Algorithms developed to predict the effect of sequence changes on RNA splicing suggest that this variant may disrupt the consensus splice site. For these reasons, this variant has been classified as Pathogenic.

Literature cited by the submitters: PubMed 16199547 (cited by Labcorp Genetics (formerly Invitae), Labcorp); PubMed 16283880 (cited by Labcorp Genetics (formerly Invitae), Labcorp); PubMed 25394566 (cited by Labcorp Genetics (formerly Invitae), Labcorp); PubMed 26252218 (cited by Labcorp Genetics (formerly Invitae), Labcorp); PubMed 26445815 (cited by Labcorp Genetics (formerly Invitae), Labcorp); PubMed 22796198 (cited by Labcorp Genetics (formerly Invitae), Labcorp).

NM_000441.2(SLC26A4):c.1707+1G>A

Gene: SLC26A4 (solute carrier family 26 member 4; plus strand). Cytogenetic location: 7q22.3.
Variant type: single nucleotide variant.
Coding change: c.1707+1G>A on transcript NM_000441.2 (MANE Select); the canonical splice donor site of the intron after coding-DNA position 1707, G replaced by A.
Molecular consequence: splice donor variant.
Genome position (GRCh38, 1-based): chr7:107,700,176, G>A. VCF-style: chr7-107700176-G-A. GRCh37 (hg19) VCF-style: chr7-107340621-G-A.
Other names: c.1707+1G>A (NM_000441.1).
Identifiers: ClinVar variation 2735071 (VCV002735071.5), dbSNP rs2535335453, ClinGen allele CA368842388.